The following is an entry in ClinVar:

ClinVar aggregate classification (germline): Conflicting classifications of pathogenicity. Review status: criteria provided, conflicting classifications (1 of 4 stars). 4 submissions from 4 submitters: Uncertain significance (1); Benign (1); Likely benign (1). 1 of the submissions does not count toward it. Last evaluated 2026-01-28.

Conditions:
Beta-D-mannosidosis (MANSB). Also called: LYSOSOMAL BETA-MANNOSIDASE DEFICIENCY; MANNOSIDOSIS, BETA A, LYSOSOMAL; BETA-MANNOSIDASE DEFICIENCY; Beta-Mannosidosis. Identifiers: Orphanet 118, MedGen C4048196, MONDO:0009562, OMIM 248510.
MANBA-related disorder. Also called: MANBA-related condition.

Allele frequency attached by ClinVar (database versions not stated): gnomAD exomes 0.00044; ExAC 0.00063; 1000 Genomes Project 30x 0.00141; 1000 Genomes Project 0.00160; gnomAD 0.00182 and 0.00195; TOPMed 0.00199; ESP Exome Variant Server 0.00315.
gnomAD v4.1: 543 of 1,614,158 alleles (0.034%); highest among the groups gnomAD compares: African/African-American, 0.63%; no homozygotes.

Submissions (4):

Labcorp Genetics (formerly Invitae), Labcorp
Classification: Benign for Beta-D-mannosidosis. Last evaluated: 2026-01-28. Review status: criteria provided, single submitter. Criteria: Invitae Variant Classification Sherloc (09022015). Collection method: clinical testing. Allele origin: germline.

Blueprint Genetics
Classification: Likely benign. Last evaluated: 2024-03-11. Review status: criteria provided, single submitter. Criteria: ACMG Guidelines, 2015. Collection method: clinical testing. Allele origin: germline.

Baylor Genetics
Classification: Uncertain significance for Beta-D-mannosidosis. Last evaluated: 2019-12-26. Review status: criteria provided, single submitter. Criteria: ACMG Guidelines, 2015. Collection method: clinical testing. Allele origin: unknown. Affected: yes.
Comment: This variant was determined to be of uncertain significance according to ACMG Guidelines, 2015 [PMID:25741868].

PreventionGenetics, part of Exact Sciences
Classification: Likely benign for MANBA-related condition. Last evaluated: 2019-05-27. Review status: no assertion criteria provided. Collection method: clinical testing. Allele origin: germline. Not counted in ClinVar's aggregate classification.
Comment: This variant is classified as likely benign based on ACMG/AMP sequence variant interpretation guidelines (Richards et al. 2015 PMID: 25741868, with internal and published modifications).

NM_005908.4(MANBA):c.2180C>T (p.Ser727Phe)

Gene: MANBA (mannosidase beta; minus strand). Cytogenetic location: 4q24.
Variant type: single nucleotide variant.
Coding change: c.2180C>T on transcript NM_005908.4 (MANE Select); coding-DNA position 2180, C replaced by T.
Protein change: p.Ser727Phe; replaces serine 727 with phenylalanine.
Molecular consequence: missense variant.
Genome position (GRCh38, 1-based): chr4:102,635,023, G>A on the plus strand (C>T on the coding strand, the complement: MANBA is on the minus strand). VCF-style: chr4-102635023-G-A. GRCh37 (hg19) VCF-style: chr4-103556180-G-A.
Other names: short protein forms S727F.
Identifiers: ClinVar variation 1028960 (VCV001028960.11), dbSNP rs147437033, ClinGen allele CA3026676.
Genomic context (GRCh38, chr4:102,635,023, plus strand): 5'-ACAGCCTCTCCTCCTTTCATCACAAAACGTTCAGTCACACGAGAGCACACGGGCTCCAGG[G>A]AGCTCCATGTATGGACTCTCACCTGGGGAGAAATAAAACAGAATAAAAACAGGCATTCTT-3'
Protein context (NP_005899.3, residues 717-737): TLSVRVHTWS[Ser727Phe]LEPVCSRVTE